The following is an entry in ClinVar:

ClinVar aggregate classification (germline): Uncertain significance (1 of 4 stars; one submission).

Conditions:
Immunodeficiency 132A. Also called: Herpes simplex encephalitis, susceptibility to, 3. Identifiers: Orphanet 1930, MedGen C3553868, MONDO:0013920, OMIM 614849.

gnomAD v4.1: 6 of 1,613,764 alleles (0.00037%); highest among the groups gnomAD compares: South Asian, 0.0011%; no homozygotes.

Submission:

Labcorp Genetics (formerly Invitae), Labcorp
Classification: Uncertain significance for Immunodeficiency 132A. Last evaluated: 2024-11-11. Review status: criteria provided, single submitter. Criteria: Invitae Variant Classification Sherloc (09022015). Collection method: clinical testing. Allele origin: germline.
Comment: This sequence change replaces arginine, which is basic and polar, with glutamine, which is neutral and polar, at codon 310 of the TRAF3 protein (p.Arg310Gln). This variant is present in population databases (no rsID available, gnomAD 0.0009%). This variant has not been reported in the literature in individuals affected with TRAF3-related conditions. An algorithm developed to predict the effect of missense changes on protein structure and function (PolyPhen-2) suggests that this variant is likely to be disruptive. In summary, the available evidence is currently insufficient to determine the role of this variant in disease. Therefore, it has been classified as a Variant of Uncertain Significance.

NM_145725.3(TRAF3):c.929G>A (p.Arg310Gln)

Gene: TRAF3 (TNF receptor associated factor 3; plus strand). Cytogenetic location: 14q32.32.
Variant type: single nucleotide variant.
Coding change: c.929G>A on transcript NM_145725.3 (MANE Select); coding-DNA position 929, G replaced by A.
Protein change: p.Arg310Gln; replaces arginine 310 with glutamine.
Molecular consequence: missense variant. On other transcripts: intron variant (1).
Genome position (GRCh38, 1-based): chr14:102,897,370, G>A. VCF-style: chr14-102897370-G-A. GRCh37 (hg19) VCF-style: chr14-103363707-G-A.
Other names: c.680G>A, p.Arg227Gln (NM_001199427.2); c.848G>A, p.Arg283Gln (NM_001385143.1); c.929G>A, p.Arg310Gln (NM_003300.4); c.854G>A, p.Arg285Gln (NM_145726.3); c.820-5885G>A (NM_001385142.1); short protein forms R227Q, R283Q, R285Q, R310Q.
Identifiers: ClinVar variation 3620199 (VCV003620199.2).